The following is an entry in ClinVar:

NM_001365999.1(SZT2):c.7316C>T (p.Ala2439Val)

Gene: SZT2 (SZT2 subunit of KICSTOR complex; plus strand). Cytogenetic location: 1p34.2.
Variant type: single nucleotide variant.
Coding change: c.7316C>T on transcript NM_001365999.1 (MANE Select); coding-DNA position 7316, C replaced by T.
Protein change: p.Ala2439Val; replaces alanine 2439 with valine.
Molecular consequence: missense variant.
Genome position (GRCh38, 1-based): chr1:43,440,558, C>T. VCF-style: chr1-43440558-C-T. GRCh37 (hg19) VCF-style: chr1-43906229-C-T.
Other names: c.7145C>T, p.Ala2382Val (NM_015284.4); short protein forms A2382V, A2439V.
Identifiers: ClinVar variation 655294 (VCV000655294.15), dbSNP rs755029775, ClinGen allele CA810187.

ClinVar aggregate classification (germline): Uncertain significance. Review status: criteria provided, multiple submitters, no conflicts (2 of 4 stars). 4 submissions from 4 submitters: Uncertain significance (4). Last evaluated 2024-05-13.

Conditions:
Developmental and epileptic encephalopathy, 18 (DEE18). Also called: Early infantile epileptic encephalopathy 18. Identifiers: Orphanet 369894, MedGen C3809624, MONDO:0014201, OMIM 615476.

Allele frequency attached by ClinVar (database versions not stated): TOPMed below 0.00001; gnomAD 0.00001 and 0.00002; gnomAD exomes 0.00003; ExAC 0.00006.
gnomAD v4.1: 25 of 1,605,878 alleles (0.0016%); highest among the groups gnomAD compares: Middle Eastern, 0.017%; no homozygotes.

Submissions (4):

Labcorp Genetics (formerly Invitae), Labcorp
Classification: Uncertain significance. Last evaluated: 2024-05-13. Review status: criteria provided, single submitter. Criteria: Invitae Variant Classification Sherloc (09022015). Collection method: clinical testing. Allele origin: germline.
Comment: This sequence change replaces alanine, which is neutral and non-polar, with valine, which is neutral and non-polar, at codon 2382 of the SZT2 protein (p.Ala2382Val). This variant is present in population databases (rs755029775, gnomAD 0.007%). This variant has not been reported in the literature in individuals affected with SZT2-related conditions. ClinVar contains an entry for this variant (Variation ID: 655294). Advanced modeling of protein sequence and biophysical properties (such as structural, functional, and spatial information, amino acid conservation, physicochemical variation, residue mobility, and thermodynamic stability) performed at Invitae indicates that this missense variant is not expected to disrupt SZT2 protein function with a negative predictive value of 80%. In summary, the available evidence is currently insufficient to determine the role of this variant in disease. Therefore, it has been classified as a Variant of Uncertain Significance.

Genome-Nilou Lab
Classification: Uncertain significance for Developmental and epileptic encephalopathy, 18. Last evaluated: 2023-04-11. Review status: criteria provided, single submitter. Criteria: ACMG Guidelines, 2015. Collection method: clinical testing. Allele origin: germline. Affected: no.

Revvity Omics, Revvity
Classification: Uncertain significance for Developmental and epileptic encephalopathy, 18. Last evaluated: 2021-06-10. Review status: criteria provided, single submitter. Criteria: ACMG Guidelines, 2015. Collection method: clinical testing. Allele origin: germline.

Baylor Genetics
Classification: Uncertain significance for Developmental and epileptic encephalopathy, 18. Last evaluated: 2019-11-01. Review status: criteria provided, single submitter. Criteria: ACMG Guidelines, 2015. Collection method: clinical testing. Allele origin: unknown. Affected: yes.
Comment: This variant was determined to be of uncertain significance according to ACMG Guidelines, 2015 [PMID:25741868].